The following is an entry in ClinVar:

NM_183050.4(BCKDHB):c.368del (p.Pro123fs)

Gene: BCKDHB (branched chain keto acid dehydrogenase E1 subunit beta; plus strand). Cytogenetic location: 6q14.1.
Variant type: Deletion.
Coding change: c.368del on transcript NM_183050.4 (MANE Select); coding-DNA position 368, one base deleted (C; older notation c.368delC).
Protein change: p.Pro123fs; shifts the reading frame from proline 123.
Molecular consequence: frameshift variant. On other transcripts: non-coding transcript variant (1).
Genome position (GRCh38, 1-based): chr6:80,167,702, C deleted; the last of 4 consecutive C bases (chr6:80,167,699-80,167,702); deleting any one gives the same sequence. VCF-style (leftmost placement, unchanged base first): chr6-80167698-AC-A. GRCh37 (hg19) VCF-style: chr6-80877415-AC-A.
Other names: c.368del, p.Pro123fs (NM_000056.5); c.158del, p.Pro53fs (NM_001318975.1); short protein forms P123fs, P53fs.
Identifiers: ClinVar variation 225303 (VCV000225303.10), dbSNP rs1085307058, ClinGen allele CA645293871.
Genomic context (GRCh38, chr6:80,167,698, plus strand): 5'-TCATTTGCCACATTAACCTTTTTTTCTTTTCTATTTTAAGGAAAAGATAGAGTTTTTAAT[AC>A]CCCATTGTGTGAACAAGGAATTGTTGGATTTGGAATCGGAATTGCGGTCACTGGAGCTAC-3'

ClinVar aggregate classification (germline): Pathogenic/Likely pathogenic. Review status: criteria provided, multiple submitters, no conflicts (2 of 4 stars). 3 submissions from 3 submitters: Pathogenic (2); Likely pathogenic (1). Last evaluated 2021-11-07.

Conditions:
Maple syrup urine disease (MSUD). Identifiers: Orphanet 511, MedGen C0024776, MeSH D008375, MONDO:0009563. Disease mechanism: loss of function.

Submissions (3):

Genome-Nilou Lab
Classification: Pathogenic for Maple syrup urine disease type 1A. Last evaluated: 2021-11-07. Review status: criteria provided, single submitter. Criteria: ACMG Guidelines, 2015. Collection method: clinical testing. Allele origin: germline. Affected: no.

Labcorp Genetics (formerly Invitae), Labcorp
Classification: Pathogenic for Maple syrup urine disease. Last evaluated: 2020-03-17. Review status: criteria provided, single submitter. Criteria: Invitae Variant Classification Sherloc (09022015). Collection method: clinical testing. Allele origin: germline.
Comment: For these reasons, this variant has been classified as Pathogenic. Loss-of-function variants in BCKDHB are known to be pathogenic (PMID: 16786533, 22593002). This variant has not been reported in the literature in individuals with BCKDHB-related conditions. ClinVar contains an entry for this variant (Variation ID: 225303). This variant is not present in population databases (ExAC no frequency). This sequence change creates a premature translational stop signal (p.Pro123Hisfs*107) in the BCKDHB gene. It is expected to result in an absent or disrupted protein product.

Soonchunhyang University Bucheon Hospital, Soonchunhyang University Medical Center
Classification: Likely pathogenic for Maple syrup urine disease type 1A. Last evaluated: 2016-03-18. Review status: criteria provided, single submitter. Criteria: ACMG Guidelines, 2015. Collection method: reference population. Allele origin: germline. Observed: 1 variant allele.

Literature cited by the submitters: PubMed 16786533 (cited by Labcorp Genetics (formerly Invitae), Labcorp); PubMed 22593002 (cited by Labcorp Genetics (formerly Invitae), Labcorp); PubMed 14742428 (cited by Soonchunhyang University Bucheon Hospital, Soonchunhyang University Medical Center).